The following is an entry in ClinVar:

NM_031407.7(HUWE1):c.1612A>G (p.Thr538Ala)

Gene: HUWE1 (HECT, UBA and WWE domain containing E3 ubiquitin protein ligase 1; minus strand). Cytogenetic location: Xp11.22.
Variant type: single nucleotide variant.
Coding change: c.1612A>G on transcript NM_031407.7 (MANE Select); coding-DNA position 1612, A replaced by G.
Protein change: p.Thr538Ala; replaces threonine 538 with alanine.
Molecular consequence: missense variant.
Genome position (GRCh38, 1-based): chrX:53,624,655, T>C on the plus strand (A>G on the coding strand, the complement: HUWE1 is on the minus strand). VCF-style: chrX-53624655-T-C. GRCh37 (hg19) VCF-style: chrX-53651616-T-C.
Other names: short protein forms T538A.
Identifiers: ClinVar variation 976352 (VCV000976352.22), dbSNP rs781821524, ClinGen allele CA10422814.

ClinVar aggregate classification (germline): Uncertain significance. Review status: criteria provided, multiple submitters, no conflicts (2 of 4 stars). 4 submissions from 4 submitters: Uncertain significance (4). Last evaluated 2024-12-24.

Conditions:
Intellectual developmental disorder, X-linked, syndromic, Turner type. Also called: X-linked intellectual disability, Turner type; Intellectual disability, X-linked syndromic, Turner type. Identifiers: Orphanet 3056, Orphanet 85328, MedGen C2678046, MONDO:0010407, OMIM 309590.

Allele frequency attached by ClinVar (database versions not stated): gnomAD exomes below 0.00001 and 0.00001; ExAC 0.00001; gnomAD 0.00001; TOPMed 0.00002.
gnomAD v4.1: 2 of 1,198,170 alleles (0.00017%); highest among the groups gnomAD compares: African/African-American, 0.0018%; no homozygotes.

Submissions (4):

Labcorp Genetics (formerly Invitae), Labcorp
Classification: Uncertain significance. Last evaluated: 2024-12-24. Review status: criteria provided, single submitter. Criteria: Invitae Variant Classification Sherloc (09022015). Collection method: clinical testing. Allele origin: germline.
Comment: This sequence change replaces threonine, which is neutral and polar, with alanine, which is neutral and non-polar, at codon 538 of the HUWE1 protein (p.Thr538Ala). This variant is present in population databases (rs781821524, gnomAD 0.008%). This variant has not been reported in the literature in individuals affected with HUWE1-related conditions. ClinVar contains an entry for this variant (Variation ID: 976352). Invitae Evidence Modeling of protein sequence and biophysical properties (such as structural, functional, and spatial information, amino acid conservation, physicochemical variation, residue mobility, and thermodynamic stability) has been performed for this missense variant. However, the output from this modeling did not meet the statistical confidence thresholds required to predict the impact of this variant on HUWE1 protein function. In summary, the available evidence is currently insufficient to determine the role of this variant in disease. Therefore, it has been classified as a Variant of Uncertain Significance.

CeGaT Center for Human Genetics Tuebingen
Classification: Uncertain significance. Last evaluated: 2024-07-01. Review status: criteria provided, single submitter. Criteria: CeGaT Center For Human Genetics Tuebingen Variant Classification Criteria Version 2. Collection method: clinical testing. Allele origin: germline. Affected: yes. Observed: 1 variant allele.
Comment: HUWE1: PM2

GeneDx
Classification: Uncertain significance. Last evaluated: 2022-08-02. Review status: criteria provided, single submitter. Criteria: GeneDx Variant Classification Process June 2021. Collection method: clinical testing. Allele origin: germline. Affected: yes.
Comment: In silico analysis supports that this missense variant does not alter protein structure/function; Has not been previously published as pathogenic or benign to our knowledge

Institute of Human Genetics, University of Leipzig Medical Center
Classification: Uncertain significance for Intellectual developmental disorder, X-linked, syndromic, Turner type. Last evaluated: 2018-08-28. Review status: criteria provided, single submitter. Criteria: ACMG Guidelines, 2015. Collection method: clinical testing. Allele origin: germline. Affected: yes. Observed: 1 variant allele.